The following is an entry in ClinVar:

ClinVar aggregate classification (germline): Uncertain significance (1 of 4 stars; one submission).

gnomAD v4.1: 2 of 1,614,138 alleles (0.00012%); highest among the groups gnomAD compares: Non-Finnish European, 0.00017%; no homozygotes.

Submission:

Labcorp Genetics (formerly Invitae), Labcorp
Classification: Uncertain significance. Last evaluated: 2025-11-30. Review status: criteria provided, single submitter. Criteria: Invitae Variant Classification Sherloc (09022015). Collection method: clinical testing. Allele origin: germline.
Comment: This sequence change replaces alanine, which is neutral and non-polar, with threonine, which is neutral and polar, at codon 28 of the DFNB59 protein (p.Ala28Thr). This variant is not present in population databases (gnomAD no frequency). This variant has not been reported in the literature in individuals affected with DFNB59-related conditions. ClinVar contains an entry for this variant (Variation ID: 3618704). Invitae Evidence Modeling of protein sequence and biophysical properties (such as structural, functional, and spatial information, amino acid conservation, physicochemical variation, residue mobility, and thermodynamic stability) indicates that this missense variant is not expected to disrupt DFNB59 protein function with a negative predictive value of 80%. In summary, the available evidence is currently insufficient to determine the role of this variant in disease. Therefore, it has been classified as a Variant of Uncertain Significance.

NM_001042702.5(PJVK):c.82G>A (p.Ala28Thr)

Gene: PJVK (pejvakin; plus strand). Cytogenetic location: 2q31.2.
Variant type: single nucleotide variant.
Coding change: c.82G>A on transcript NM_001042702.5 (MANE Select); coding-DNA position 82, G replaced by A.
Protein change: p.Ala28Thr; replaces alanine 28 with threonine.
Molecular consequence: missense variant. On other transcripts: 5 prime UTR variant (1), intron variant (1).
Genome position (GRCh38, 1-based): chr2:178,453,491, G>A. VCF-style: chr2-178453491-G-A. GRCh37 (hg19) VCF-style: chr2-179318218-G-A.
Other names: c.91G>A, p.Ala31Thr (NM_001353775.2); c.187G>A, p.Ala63Thr (NM_001353776.2); c.-396G>A (NM_001353778.2); c.82G>A, p.Ala28Thr (NM_001369912.1); c.-334-62G>A (NM_001353777.1); short protein forms A28T, A31T, A63T.
Identifiers: ClinVar variation 3618704 (VCV003618704.2).